The following is an entry in ClinVar:

NM_001164277.2(SLC37A4):c.460A>G (p.Ile154Val)

Gene: SLC37A4 (solute carrier family 37 member 4; minus strand). Cytogenetic location: 11q23.3.
Variant type: single nucleotide variant.
Coding change: c.460A>G on transcript NM_001164277.2 (MANE Select); coding-DNA position 460, A replaced by G.
Protein change: p.Ile154Val; replaces isoleucine 154 with valine.
Molecular consequence: missense variant.
Genome position (GRCh38, 1-based): chr11:119,027,794, T>C on the plus strand (A>G on the coding strand, the complement: SLC37A4 is on the minus strand). VCF-style: chr11-119027794-T-C. GRCh37 (hg19) VCF-style: chr11-118898504-T-C.
Other names: c.460A>G, p.Ile154Val (NM_001164278.2, NM_001164280.2, NM_001467.6); c.241A>G, p.Ile81Val (NM_001164279.2); short protein forms I81V, I154V.
Identifiers: ClinVar variation 4997991 (VCV004997991.1).

ClinVar aggregate classification (germline): Uncertain significance (1 of 4 stars; one submission).

Conditions:
SLC37A4-related disorder. Also called: SLC37A4-related condition.

Submission:

PreventionGenetics, part of Exact Sciences
Classification: Uncertain significance for SLC37A4-related condition. Last evaluated: 2025-04-02. Review status: criteria provided, single submitter. Criteria: ACMG Guidelines, 2015. Collection method: clinical testing. Allele origin: germline.
Comment: The SLC37A4 c.460A>G variant is predicted to result in the amino acid substitution p.Ile154Val. To our knowledge, this variant has not been reported in the literature or in a large population database (gnomAD), indicating this variant is rare. At this time, the clinical significance of this variant is uncertain due to the absence of conclusive functional and genetic evidence.